The following is an entry in ClinVar:

NM_001201427.2(DAAM2):c.1581C>T (p.Gly527=)

Gene: DAAM2 (dishevelled associated activator of morphogenesis 2; plus strand). Cytogenetic location: 6p21.2.
Variant type: single nucleotide variant.
Coding change: c.1581C>T on transcript NM_001201427.2 (MANE Select); coding-DNA position 1581, C replaced by T.
Protein change: p.Gly527=; no amino-acid change (glycine 527 retained).
Molecular consequence: synonymous variant.
Genome position (GRCh38, 1-based): chr6:39,879,213, C>T. VCF-style: chr6-39879213-C-T. GRCh37 (hg19) VCF-style: chr6-39846989-C-T.
Other names: c.1581C>T, p.Gly527= (NM_015345.4).
Identifiers: ClinVar variation 3033058 (VCV003033058.2), dbSNP rs1035310700, ClinGen allele CA137628376.

ClinVar aggregate classification (germline): Likely benign (0 of 4 stars; one submission).

Conditions:
DAAM2-related disorder. Also called: DAAM2-related condition.

Allele frequency attached by ClinVar (database versions not stated): gnomAD 0.00006; TOPMed 0.00011.
gnomAD v4.1: 19 of 1,549,680 alleles (0.0012%); highest among the groups gnomAD compares: African/African-American, 0.026%; no homozygotes.

Submission:

PreventionGenetics, part of Exact Sciences
Classification: Likely benign for DAAM2-related condition. Last evaluated: 2023-07-27. Review status: no assertion criteria provided. Collection method: clinical testing. Allele origin: germline.
Comment: This variant is classified as likely benign based on ACMG/AMP sequence variant interpretation guidelines (Richards et al. 2015 PMID: 25741868, with internal and published modifications).